The following is an entry in ClinVar:

ClinVar aggregate classification (germline): Uncertain significance. Review status: criteria provided, multiple submitters, no conflicts (2 of 4 stars). 2 submissions from 2 submitters: Uncertain significance (2). Last evaluated 2025-11-19.

Conditions:
Emery-Dreifuss muscular dystrophy 5, autosomal dominant (EDMD5). Also called: EMERY-DREIFUSS MUSCULAR DYSTROPHY 5. Identifiers: Orphanet 261, MedGen C2751805, MONDO:0013072, OMIM 612999.

Allele frequency attached by ClinVar (database versions not stated): gnomAD exomes below 0.00001; gnomAD 0.00001; TOPMed 0.00001.
gnomAD v4.1: 5 of 1,613,328 alleles (0.00031%); highest among the groups gnomAD compares: African/African-American, 0.0067%; no homozygotes.

Submissions (2):

Ambry Genetics
Classification: Uncertain significance. Last evaluated: 2025-11-19. Review status: criteria provided, single submitter. Criteria: Ambry Variant Classification Scheme 2023. Collection method: clinical testing. Allele origin: germline.

Labcorp Genetics (formerly Invitae), Labcorp
Classification: Uncertain significance for Emery-Dreifuss muscular dystrophy 5, autosomal dominant. Last evaluated: 2020-03-26. Review status: criteria provided, single submitter. Criteria: Invitae Variant Classification Sherloc (09022015). Collection method: clinical testing. Allele origin: germline.
Comment: This sequence change replaces methionine with threonine at codon 6560 of the SYNE2 protein (p.Met6560Thr). The methionine residue is weakly conserved and there is a moderate physicochemical difference between methionine and threonine. This variant is not present in population databases (ExAC no frequency). In summary, the available evidence is currently insufficient to determine the role of this variant in disease. Therefore, it has been classified as a Variant of Uncertain Significance. Algorithms developed to predict the effect of missense changes on protein structure and function are either unavailable or do not agree on the potential impact of this missense change (SIFT: "Deleterious"; PolyPhen-2: "Benign"; Align-GVGD: "Class C0"). This variant has not been reported in the literature in individuals with SYNE2-related conditions.

NM_182914.3(SYNE2):c.19679T>C (p.Met6560Thr)

Gene: SYNE2 (spectrin repeat containing nuclear envelope protein 2; plus strand). Cytogenetic location: 14q23.2.
Variant type: single nucleotide variant.
Coding change: c.19679T>C on transcript NM_182914.3 (MANE Select); coding-DNA position 19679, T replaced by C.
Protein change: p.Met6560Thr; replaces methionine 6560 with threonine.
Molecular consequence: missense variant.
Genome position (GRCh38, 1-based): chr14:64,219,229, T>C. VCF-style: chr14-64219229-T-C. GRCh37 (hg19) VCF-style: chr14-64685947-T-C.
Other names: c.19679T>C (NM_182914.2); c.19610T>C, p.Met6537Thr (NM_015180.6); c.203T>C, p.Met68Thr (NM_182910.2); c.581T>C, p.Met194Thr (NM_182913.4); short protein forms M194T, M6537T, M6560T, M68T.
Identifiers: ClinVar variation 1060109 (VCV001060109.10), dbSNP rs1016791014, ClinGen allele CA261831373.